The following is an entry in ClinVar:

NM_000290.4(PGAM2):c.110A>G (p.Glu37Gly)

Genes: DBNL (drebrin like; plus strand), PGAM2 (phosphoglycerate mutase 2; minus strand). Cytogenetic location: 7p13.
Variant type: single nucleotide variant.
Coding change: c.110A>G on transcript NM_000290.4 (MANE Select); coding-DNA position 110, A replaced by G.
Protein change: p.Glu37Gly; replaces glutamic acid 37 with glycine.
Molecular consequence: missense variant. On other transcripts: 3 prime UTR variant (6).
Genome position (GRCh38, 1-based): chr7:44,065,420, T>C on the plus strand (A>G on the coding strand, the complement: PGAM2 is on the minus strand). VCF-style: chr7-44065420-T-C. GRCh37 (hg19) VCF-style: chr7-44105019-T-C.
Other names: c.*4504T>C (NM_001014436.3, NM_001122956.2, NM_001284313.2 and 3 more transcripts); short protein forms E37G.
Identifiers: ClinVar variation 3655654 (VCV003655654.2).
Genomic context (GRCh38, chr7:44,065,420, plus strand): 5'-GTGTAGCAGATGTCAAACTCCATCTTGGCATCCTTGATGGCCTTGGCTCCCCGCTTGGCC[T>C]CCTCGGTCCCCTTTTCACTCAGCTCTGCATCGAACCAGCCACAGAAACGGTTCTCCTGGT-3'
Protein context (NP_000281.2, residues 27-47): DAELSEKGTE[Glu37Gly]AKRGAKAIKD

ClinVar aggregate classification (germline): Uncertain significance (1 of 4 stars; one submission).

Conditions:
Glycogen storage disease type X (GSD10). Also called: Glycogen storage disease due to phosphoglycerate mutase deficiency; GSD X; MYOPATHY DUE TO PHOSPHOGLYCERATE MUTASE DEFICIENCY; PGAMM DEFICIENCY; PHOSPHOGLYCERATE MUTASE, MUSCLE, DEFICIENCY OF; Dimauro disease. Identifiers: Orphanet 97234, MedGen C0268149, MONDO:0009865, OMIM 261670.

Submission:

Labcorp Genetics (formerly Invitae), Labcorp
Classification: Uncertain significance for Glycogen storage disease type X. Last evaluated: 2024-06-05. Review status: criteria provided, single submitter. Criteria: Invitae Variant Classification Sherloc (09022015). Collection method: clinical testing. Allele origin: germline.
Comment: This sequence change replaces glutamic acid, which is acidic and polar, with glycine, which is neutral and non-polar, at codon 37 of the PGAM2 protein (p.Glu37Gly). This variant is not present in population databases (gnomAD no frequency). This variant has not been reported in the literature in individuals affected with PGAM2-related conditions. Advanced modeling of protein sequence and biophysical properties (such as structural, functional, and spatial information, amino acid conservation, physicochemical variation, residue mobility, and thermodynamic stability) performed at Invitae indicates that this missense variant is expected to disrupt PGAM2 protein function with a positive predictive value of 80%. In summary, the available evidence is currently insufficient to determine the role of this variant in disease. Therefore, it has been classified as a Variant of Uncertain Significance.